The following is an entry in ClinVar:

ClinVar aggregate classification (germline): Uncertain significance (1 of 4 stars; one submission).

Allele frequency attached by ClinVar (database versions not stated): gnomAD exomes below 0.00001; TOPMed 0.00001; ExAC 0.00001; gnomAD 0.00001.
gnomAD v4.1: 3 of 1,611,932 alleles (0.00019%); highest among the groups gnomAD compares: Admixed American, 0.005%; no homozygotes.

Submission:

Labcorp Genetics (formerly Invitae), Labcorp
Classification: Uncertain significance. Last evaluated: 2021-10-07. Review status: criteria provided, single submitter. Criteria: Invitae Variant Classification Sherloc (09022015). Collection method: clinical testing. Allele origin: germline.
Comment: In summary, the available evidence is currently insufficient to determine the role of this variant in disease. Therefore, it has been classified as a Variant of Uncertain Significance. Algorithms developed to predict the effect of missense changes on protein structure and function are either unavailable or do not agree on the potential impact of this missense change (SIFT: "Deleterious"; PolyPhen-2: "Benign"; Align-GVGD: "Class C0"). This variant has not been reported in the literature in individuals affected with PCARE-related conditions. This variant is present in population databases (rs748471967, ExAC 0.009%). This sequence change replaces glutamic acid with glutamine at codon 1279 of the PCARE protein (p.Glu1279Gln). The glutamic acid residue is moderately conserved and there is a small physicochemical difference between glutamic acid and glutamine.

NM_001029883.3(PCARE):c.3835G>C (p.Glu1279Gln)

Gene: PCARE (photoreceptor cilium actin regulator; minus strand). Cytogenetic location: 2p23.2.
Variant type: single nucleotide variant.
Coding change: c.3835G>C on transcript NM_001029883.3 (MANE Select); coding-DNA position 3835, G replaced by C.
Protein change: p.Glu1279Gln; replaces glutamic acid 1279 with glutamine.
Molecular consequence: missense variant.
Genome position (GRCh38, 1-based): chr2:29,064,901, C>G on the plus strand (G>C on the coding strand, the complement: PCARE is on the minus strand). VCF-style: chr2-29064901-C-G. GRCh37 (hg19) VCF-style: chr2-29287767-C-G.
Other names: short protein forms E1279Q.
Identifiers: ClinVar variation 1015680 (VCV001015680.6), dbSNP rs748471967, ClinGen allele CA1591819.